The following is an entry in ClinVar:

ClinVar aggregate classification (germline): Likely pathogenic (1 of 4 stars; one submission).

Conditions:
Sotos syndrome (SOTOS). Also called: Sotos' syndrome; Distinctive facial appearance, overgrowth in childhood, and learning disabilities or delayed development; CHROMOSOME 5q35 DELETION SYNDROME; CEREBRAL GIGANTISM; SOTOS SYNDROME 1. Identifiers: Orphanet 821, MedGen C0175695, MONDO:0019349, OMIM 117550.

Submission:

New York Genome Center
Classification: Likely pathogenic for Sotos syndrome. Last evaluated: 2021-06-17. Review status: criteria provided, single submitter. Criteria: NYGC Assertion Criteria 2020. Collection method: clinical testing. Allele origin: de novo. Observed: 1 variant allele. Study: CSER-NYCKidSeq.
Comment: The de novo c.928-10312_3797-10414del variant is a ~43.8KB deletion on the long arm of chromosome 5 (5q35.3). This deletion encompasses exons 3-5 of the canonical NSD1 transcript, as well as intervening and flanking intronic sequences. This is predicted to lead to the loss of amino acids p.Cys310 through p.Ala1266 including the PWWP1 domain (UniProtKB:Q96L73), as well as result in an out of frame consequence. This variant is absent from gnomADSVs v2.1 as well as the Database of Genomic Variants (DGV), suggesting it is not a common benign variant in the populations represented in that database. This variant is absent from ClinVar and to our current knowledge has not been reported in affected individuals in the literature, although microdeletions within NSD1 are aknown mechanism of disease [PMID:11896389, 19596467, 23341071, 25852445, others]. Given its presence de novo in the affected individual, its deleterious nature and absence in population databases, the de novo c.928-10312_3797-10414del variant identified in the NSD1 gene is reported as LikelyPathogenic.

NM_022455.4:c.928-10312_3797-10414del

Gene: NSD1 (nuclear receptor binding SET domain protein 1; plus strand).
Variant type: Deletion.
Identifiers: ClinVar variation 1696474 (VCV001696474.2).